The following is an entry in ClinVar:

NM_001040108.2(MLH3):c.76G>T (p.Val26Phe)

Gene: MLH3 (mutL homolog 3; minus strand). Cytogenetic location: 14q24.3.
Variant type: single nucleotide variant.
Coding change: c.76G>T on transcript NM_001040108.2 (MANE Select); coding-DNA position 76, G replaced by T.
Protein change: p.Val26Phe; replaces valine 26 with phenylalanine.
Molecular consequence: missense variant.
Genome position (GRCh38, 1-based): chr14:75,049,580, C>A on the plus strand (G>T on the coding strand, the complement: MLH3 is on the minus strand). VCF-style: chr14-75049580-C-A. GRCh37 (hg19) VCF-style: chr14-75516283-C-A.
Other names: c.76G>T, p.Val26Phe (NM_014381.3); short protein forms V26F.
Identifiers: ClinVar variation 1038517 (VCV001038517.12), dbSNP rs964651295, ClinGen allele CA263654175.

ClinVar aggregate classification (germline): Uncertain significance. Review status: criteria provided, multiple submitters, no conflicts (2 of 4 stars). 2 submissions from 2 submitters: Uncertain significance (2). Last evaluated 2024-05-23.

Conditions:
Colorectal cancer, hereditary nonpolyposis, type 7. Identifiers: Orphanet 144, MedGen C1858380, MONDO:0013725, OMIM 614385.

Allele frequency attached by ClinVar (database versions not stated): TOPMed below 0.00001.
gnomAD v4.1: 5 of 1,614,206 alleles (0.00031%); highest among the groups gnomAD compares: Non-Finnish European, 0.00034%; no homozygotes.

Submissions (2):

Ambry Genetics
Classification: Uncertain significance. Last evaluated: 2024-05-23. Review status: criteria provided, single submitter. Criteria: Ambry Variant Classification Scheme 2023. Collection method: clinical testing. Allele origin: germline.
Comment: The p.V26F variant (also known as c.76G>T), located in coding exon 1 of the MLH3 gene, results from a G to T substitution at nucleotide position 76. The valine at codon 26 is replaced by phenylalanine, an amino acid with highly similar properties. This amino acid position is conserved. In addition, this alteration is predicted to be deleterious by in silico analysis. Since supporting evidence is limited at this time, the clinical significance of this alteration remains unclear.

Labcorp Genetics (formerly Invitae), Labcorp
Classification: Uncertain significance for Colorectal cancer, hereditary nonpolyposis, type 7. Last evaluated: 2020-02-18. Review status: criteria provided, single submitter. Criteria: Invitae Variant Classification Sherloc (09022015). Collection method: clinical testing. Allele origin: germline.
Comment: This sequence change replaces valine with phenylalanine at codon 26 of the MLH3 protein (p.Val26Phe). The valine residue is highly conserved and there is a small physicochemical difference between valine and phenylalanine. In summary, the available evidence is currently insufficient to determine the role of this variant in disease. Therefore, it has been classified as a Variant of Uncertain Significance. Algorithms developed to predict the effect of missense changes on protein structure and function are either unavailable or do not agree on the potential impact of this missense change (SIFT: "Deleterious"; PolyPhen-2: "Probably Damaging"; Align-GVGD: "Class C0"). This variant has not been reported in the literature in individuals with MLH3-related conditions. This variant is not present in population databases (ExAC no frequency).